The following is an entry in ClinVar:

ClinVar aggregate classification (germline): Likely benign. Review status: criteria provided, multiple submitters, no conflicts (2 of 4 stars). 3 submissions from 3 submitters: Likely benign (3). Last evaluated 2026-08-01.

Conditions:
Gamma-aminobutyric acid transaminase deficiency (GABATD). Also called: GABA aminotransaminase deficiency; GABA transaminase deficiency; Gamma aminobutyrate transaminase deficiency; 4 alpha aminobutyrate transaminase deficiency. Identifiers: Orphanet 2066, MedGen C0342708, MONDO:0013166, OMIM 613163.

Allele frequency attached by ClinVar (database versions not stated): ESP Exome Variant Server 0.00008.
gnomAD v4.1: 89 of 1,613,608 alleles (0.0055%); highest among the groups gnomAD compares: Non-Finnish European, 0.0069%; no homozygotes.

Submissions (3):

CeGaT Center for Human Genetics Tuebingen
Classification: Likely benign. Last evaluated: 2026-08-01. Review status: criteria provided, single submitter. Criteria: CeGaT Center For Human Genetics Tuebingen Variant Classification Criteria Version 2. Collection method: clinical testing. Allele origin: germline. Affected: yes. Observed: 1 variant allele.
Comment: ABAT: BP4, BP7

Labcorp Genetics (formerly Invitae), Labcorp
Classification: Likely benign for Gamma-aminobutyric acid transaminase deficiency. Last evaluated: 2025-07-23. Review status: criteria provided, single submitter. Criteria: Invitae Variant Classification Sherloc (09022015). Collection method: clinical testing. Allele origin: germline.

ARUP Laboratories, Molecular Genetics and Genomics, ARUP Laboratories
Classification: Likely benign for Gamma-aminobutyric acid transaminase deficiency. Last evaluated: 2025-04-16. Review status: criteria provided, single submitter. Criteria: ARUP Molecular Germline Variant Investigation Process 2024. Collection method: clinical testing. Allele origin: germline.

NM_020686.6(ABAT):c.945C>T (p.Ile315=)

Gene: ABAT (4-aminobutyrate aminotransferase; plus strand). Cytogenetic location: 16p13.2.
Variant type: single nucleotide variant.
Coding change: c.945C>T on transcript NM_020686.6 (MANE Select); coding-DNA position 945, C replaced by T.
Protein change: p.Ile315=; no amino-acid change (isoleucine 315 retained).
Molecular consequence: synonymous variant.
Genome position (GRCh38, 1-based): chr16:8,772,908, C>T. VCF-style: chr16-8772908-C-T. GRCh37 (hg19) VCF-style: chr16-8866765-C-T.
Other names: c.945C>T, p.Ile315= (NM_000663.5, NM_001127448.2, NM_001386600.1 and 6 more transcripts); c.906C>T, p.Ile302= (NM_001386605.1); c.882C>T, p.Ile294= (NM_001386606.1, NM_001386607.1); c.852C>T, p.Ile284= (NM_001386608.1); c.810C>T, p.Ile270= (NM_001386610.1, NM_001386611.1); c.747C>T, p.Ile249= (NM_001386612.1, NM_001386613.1); c.699C>T, p.Ile233= (NM_001386614.1); c.1041C>T, p.Ile347= (NM_001386615.1).
Identifiers: ClinVar variation 1536078 (VCV001536078.10), dbSNP rs368667677, ClinGen allele CA7893355.